The following is an entry in ClinVar:

NM_000384.3(APOB):c.12678G>A (p.Thr4226=)

Gene: APOB (apolipoprotein B; minus strand). Cytogenetic location: 2p24.1.
Variant type: single nucleotide variant.
Coding change: c.12678G>A on transcript NM_000384.3 (MANE Select); coding-DNA position 12678, G replaced by A.
Protein change: p.Thr4226=; no amino-acid change (threonine 4226 retained).
Molecular consequence: synonymous variant.
Genome position (GRCh38, 1-based): chr2:21,002,744, C>T on the plus strand (G>A on the coding strand, the complement: APOB is on the minus strand). VCF-style: chr2-21002744-C-T. GRCh37 (hg19) VCF-style: chr2-21225616-C-T.
Identifiers: ClinVar variation 925121 (VCV000925121.11), dbSNP rs377329586, ClinGen allele CA050813.

ClinVar aggregate classification (germline): Likely benign. Review status: criteria provided, multiple submitters, no conflicts (2 of 4 stars). 3 submissions from 3 submitters: Likely benign (3). Last evaluated 2026-08-01.

Conditions:
Hypercholesterolemia, autosomal dominant, type B (FHCL2). Also called: Hyperlipoproteinemia Type IIb; Familial hypercholesterolemia 2; APOLIPOPROTEIN B-100, FAMILIAL DEFECTIVE; APOLIPOPROTEIN B-100, FAMILIAL LIGAND-DEFECTIVE; HYPERCHOLESTEROLEMIA, FAMILIAL, DUE TO LIGAND-DEFECTIVE APOLIPOPROTEIN B; APOB-Related Familial Hypercholesterolemia, Autosomal Dominant. Identifiers: MedGen C1704417, MONDO:0007751, OMIM 144010.
Familial hypobetalipoproteinemia 1. Also called: APOB-Related Familial Hypobetalipoproteinemia; Hypobetalipoproteinemia, normotriglyceridemic; Acanthocytosis with hypobetalipoproteinemia. Identifiers: MedGen C4551990, MONDO:0014252, OMIM 615558.
Cardiovascular phenotype. Identifiers: MedGen CN230736.

Allele frequency attached by ClinVar (database versions not stated): TOPMed 0.00016; ESP Exome Variant Server 0.00031.

Submissions (3):

CeGaT Center for Human Genetics Tuebingen
Classification: Likely benign. Last evaluated: 2026-08-01. Review status: criteria provided, single submitter. Criteria: CeGaT Center For Human Genetics Tuebingen Variant Classification Criteria Version 2. Collection method: clinical testing. Allele origin: germline. Affected: yes. Observed: 1 variant allele.
Comment: APOB: BP4, BP7

Labcorp Genetics (formerly Invitae), Labcorp
Classification: Likely benign for Familial hypobetalipoproteinemia 1; Hypercholesterolemia, autosomal dominant, type B. Last evaluated: 2024-10-23. Review status: criteria provided, single submitter. Criteria: Invitae Variant Classification Sherloc (09022015). Collection method: clinical testing. Allele origin: germline.

Ambry Genetics
Classification: Likely benign for Cardiovascular phenotype. Last evaluated: 2022-03-04. Review status: criteria provided, single submitter. Criteria: Ambry Variant Classification Scheme 2023. Collection method: clinical testing. Allele origin: germline.